The following is an entry in ClinVar:

ClinVar aggregate classification (germline): Benign/Likely benign. Review status: criteria provided, multiple submitters, no conflicts (2 of 4 stars). 3 submissions from 3 submitters: Benign (2); Likely benign (1). Last evaluated 2026-06-01.

Allele frequency attached by ClinVar (database versions not stated): TOPMed 0.00042; gnomAD 0.00044; gnomAD exomes 0.00113; ExAC 0.00275.
gnomAD v4.1: 587 of 1,485,196 alleles (0.04%); highest among the groups gnomAD compares: Middle Eastern, 0.02%; 5 homozygotes.

Submissions (3):

CeGaT Center for Human Genetics Tuebingen
Classification: Likely benign. Last evaluated: 2026-06-01. Review status: criteria provided, single submitter. Criteria: CeGaT Center For Human Genetics Tuebingen Variant Classification Criteria Version 2. Collection method: clinical testing. Allele origin: germline. Affected: yes. Observed: 4 variant alleles.
Comment: ZNF469: BS2

Labcorp Genetics (formerly Invitae), Labcorp
Classification: Benign. Last evaluated: 2026-02-02. Review status: criteria provided, single submitter. Criteria: Invitae Variant Classification Sherloc (09022015). Collection method: clinical testing. Allele origin: germline.

Breakthrough Genomics
Classification: Benign. Review status: criteria provided, single submitter. Criteria: ACMG Guidelines, 2015. Collection method: not provided. Allele origin: germline. Inheritance: Autosomal recessive inheritance. Affected: yes.

NM_001367624.2(ZNF469):c.3247G>A (p.Gly1083Arg)

Genes: ZNF469 (zinc finger protein 469; plus strand), LOC130059718 (ATAC-STARR-seq lymphoblastoid silent region 7847; plus strand). Cytogenetic location: 16q24.2.
Variant type: single nucleotide variant.
Coding change: c.3247G>A on transcript NM_001367624.2 (MANE Select); coding-DNA position 3247, G replaced by A.
Protein change: p.Gly1083Arg; replaces glycine 1083 with arginine.
Molecular consequence: missense variant.
Genome position (GRCh38, 1-based): chr16:88,430,717, G>A. VCF-style: chr16-88430717-G-A. GRCh37 (hg19) VCF-style: chr16-88497125-G-A.
Other names: short protein forms G1083R.
Identifiers: ClinVar variation 1582617 (VCV001582617.33), dbSNP rs773405012, ClinGen allele CA8224839.